The following is an entry in ClinVar:

ClinVar aggregate classification (germline): Likely pathogenic (1 of 4 stars; one submission).

Conditions:
RELN-related disorder. Also called: RELN-related condition.

Submission:

Greenwood Genetic Center Diagnostic Laboratories, Greenwood Genetic Center
Classification: Likely pathogenic for RELN-related disorder. Last evaluated: 2023-05-12. Review status: criteria provided, single submitter. Criteria: ACMG Guidelines, 2015. Collection method: clinical testing. Allele origin: germline. Affected: yes.
Comment: PVS1, PM2

NM_005045.4(RELN):c.9455G>A (p.Trp3152Ter)

Genes: RELN (reelin; minus strand), SLC26A5-AS1 (SLC26A5 antisense RNA 1; plus strand), LOC126860130 (BRD4-independent group 4 enhancer GRCh37_chr7:103130126-103131325; plus strand). Cytogenetic location: 7q22.1.
Variant type: single nucleotide variant.
Coding change: c.9455G>A on transcript NM_005045.4 (MANE Select); coding-DNA position 9455, G replaced by A.
Protein change: p.Trp3152Ter; replaces tryptophan 3152 with a stop codon.
Molecular consequence: nonsense.
Genome position (GRCh38, 1-based): chr7:103,490,818, C>T on the plus strand (G>A on the coding strand, the complement: RELN is on the minus strand). VCF-style: chr7-103490818-C-T. GRCh37 (hg19) VCF-style: chr7-103131265-C-T.
Other names: c.9455G>A, p.Trp3152Ter (NM_173054.3); short protein forms W3152*.
Identifiers: ClinVar variation 2572213 (VCV002572213.1), dbSNP rs2485717851, ClinGen allele CA368745916.